The following is an entry in ClinVar:

NM_000400.4(ERCC2):c.1237+5G>C

Gene: ERCC2 (ERCC excision repair 2, TFIIH core complex helicase subunit; minus strand). Cytogenetic location: 19q13.32.
Variant type: single nucleotide variant.
Coding change: c.1237+5G>C on transcript NM_000400.4 (MANE Select); 5 bases into the intron after coding-DNA position 1237, G replaced by C.
Molecular consequence: intron variant.
Genome position (GRCh38, 1-based): chr19:45,361,519, C>G on the plus strand (G>C on the coding strand, the complement: ERCC2 is on the minus strand). VCF-style: chr19-45361519-C-G. GRCh37 (hg19) VCF-style: chr19-45864777-C-G.
Other names: c.1165+5G>C (NM_001130867.2).
Identifiers: ClinVar variation 1692424 (VCV001692424.1), dbSNP rs761017664, ClinGen allele CA9513467.

ClinVar aggregate classification (germline): Uncertain significance (1 of 4 stars; one submission).

Conditions:
Xeroderma pigmentosum (XP). Identifiers: Orphanet 910, MedGen C0043346, MONDO:0019600.

Allele frequency attached by ClinVar (database versions not stated): gnomAD exomes below 0.00001; ExAC 0.00001.

Submission:

Sema4
Classification: Uncertain significance for Xeroderma pigmentosum. Last evaluated: 2021-11-22. Review status: criteria provided, single submitter. Criteria: Sema4 Curation Guidelines. Collection method: curation. Allele origin: germline.
Comment: The ERCC2 c.1237+5G>C variant has not been reported in the literature to our knowledge. It was observed in 1/113708 chromosomes of the Non-Finnish European (NFE) subpopulation in the large and broad cohorts of the Genome Aggregation Database (PMID: 32461654). This variant has not been reported in ClinVar. Algorithms developed to predict the effect of sequence changes on RNA splicing do not suggest that this variant affect splicing, though these predictions have not been confirmed by functional studies. The evidence is insufficient to meet ACMG/AMP criteria for classifying the variant as benign or pathogenic. Thus, the clinical significance of this variant is currently uncertain.